The following is an entry in ClinVar:

NM_001197104.2(KMT2A):c.2200A>G (p.Arg734Gly)

Gene: KMT2A (lysine methyltransferase 2A; plus strand). Cytogenetic location: 11q23.3.
Variant type: single nucleotide variant.
Coding change: c.2200A>G on transcript NM_001197104.2 (MANE Select); coding-DNA position 2200, A replaced by G.
Protein change: p.Arg734Gly; replaces arginine 734 with glycine.
Molecular consequence: missense variant.
Genome position (GRCh38, 1-based): chr11:118,473,359, A>G. VCF-style: chr11-118473359-A-G. GRCh37 (hg19) VCF-style: chr11-118344074-A-G.
Other names: c.2299A>G, p.Arg767Gly (NM_001412597.1); c.2200A>G, p.Arg734Gly (NM_005933.4); short protein forms R734G, R767G.
Identifiers: ClinVar variation 2747096 (VCV002747096.4), dbSNP rs2496807371, ClinGen allele CA382813495.

ClinVar aggregate classification (germline): Uncertain significance. Review status: criteria provided, multiple submitters, no conflicts (2 of 4 stars). 2 submissions from 2 submitters: Uncertain significance (2). Last evaluated 2025-02-17.

Submissions (2):

Labcorp Genetics (formerly Invitae), Labcorp
Classification: Uncertain significance. Last evaluated: 2025-02-17. Review status: criteria provided, single submitter. Criteria: Invitae Variant Classification Sherloc (09022015). Collection method: clinical testing. Allele origin: germline.
Comment: This sequence change replaces arginine, which is basic and polar, with glycine, which is neutral and non-polar, at codon 734 of the KMT2A protein (p.Arg734Gly). This variant is not present in population databases (gnomAD no frequency). This variant has not been reported in the literature in individuals affected with KMT2A-related conditions. ClinVar contains an entry for this variant (Variation ID: 2747096). Invitae Evidence Modeling of protein sequence and biophysical properties (such as structural, functional, and spatial information, amino acid conservation, physicochemical variation, residue mobility, and thermodynamic stability) has been performed for this missense variant. However, the output from this modeling did not meet the statistical confidence thresholds required to predict the impact of this variant on KMT2A protein function. In summary, the available evidence is currently insufficient to determine the role of this variant in disease. Therefore, it has been classified as a Variant of Uncertain Significance.

GeneDx
Classification: Uncertain significance. Last evaluated: 2023-05-22. Review status: criteria provided, single submitter. Criteria: GeneDx Variant Classification Process June 2021. Collection method: clinical testing. Allele origin: germline. Affected: yes.
Comment: Not observed at significant frequency in large population cohorts (gnomAD); In silico analysis supports that this missense variant has a deleterious effect on protein structure/function; Has not been previously published as pathogenic or benign to our knowledge